The following is an entry in ClinVar:

ClinVar aggregate classification (germline): Uncertain significance (1 of 4 stars; one submission).

Submission:

Labcorp Genetics (formerly Invitae), Labcorp
Classification: Uncertain significance. Last evaluated: 2024-07-24. Review status: criteria provided, single submitter. Criteria: Invitae Variant Classification Sherloc (09022015). Collection method: clinical testing. Allele origin: germline.
Comment: This sequence change results in a frameshift in the TBXA2R gene (p.Arg339Glyfs*29). While this is not anticipated to result in nonsense mediated decay, it is expected to disrupt the last 5 amino acid(s) of the TBXA2R protein and extend the protein by 23 additional amino acid residues. This variant is not present in population databases (gnomAD no frequency). This variant has not been reported in the literature in individuals affected with TBXA2R-related conditions. ClinVar contains an entry for this variant (Variation ID: 1953769). In summary, the available evidence is currently insufficient to determine the role of this variant in disease. Therefore, it has been classified as a Variant of Uncertain Significance.

NM_001060.6(TBXA2R):c.1015_1021del (p.Arg339fs)

Gene: TBXA2R (thromboxane A2 receptor; minus strand). Cytogenetic location: 19p13.3.
Variant type: Deletion.
Coding change: c.1015_1021del on transcript NM_001060.6 (MANE Select); coding-DNA positions 1015 to 1021, 7 bases deleted (CGCTCCG; older notation c.1015_1021delCGCTCCG).
Protein change: p.Arg339fs; shifts the reading frame from arginine 339.
Molecular consequence: frameshift variant. On other transcripts: intron variant (1).
Genome position (GRCh38, 1-based): chr19:3,595,699-3,595,705, CGGAGCG deleted on the plus strand (CGCTCCG on the coding strand, the reverse complement: TBXA2R is on the minus strand); deleting any 7 consecutive bases within chr19:3,595,699-3,595,706 gives the same sequence; the c. name uses the placement nearest the transcript's 3' end. VCF-style (leftmost placement, unchanged base first): chr19-3595698-CCGGAGCG-C. GRCh37 (hg19) VCF-style: chr19-3595696-CCGGAGCG-C.
Other names: c.983+32_983+38del (NM_201636.3); short protein forms R339fs.
Identifiers: ClinVar variation 1953769 (VCV001953769.5), dbSNP rs2512436229, ClinGen allele CA2580096153.
Genomic context (GRCh38, chr19:3,595,698, plus strand): 5'-GGGGCCAAGGGCTCCGCGGAAAGGCGCGGGAGGGGCGCTCTGTCCACTTCCTACTGCAGC[CCGGAGCG>C]CTGCGTGAGCTGGGGCTGGAGGGACAGCGACCTGGGCCGGGTGCTGAGGCGAGGCTGGAG-3'